The following is an entry in ClinVar:

ClinVar aggregate classification (germline): Uncertain significance. Review status: criteria provided, multiple submitters, no conflicts (2 of 4 stars). 2 submissions from 2 submitters: Uncertain significance (2). Last evaluated 2025-07-31.

Conditions:
Inborn genetic diseases. Identifiers: MedGen C0950123, MeSH D030342.
T-cell immunodeficiency, congenital alopecia, and nail dystrophy. Also called: Congenital alopecia and nail dystrophy associated with severe functional T-cell immunodeficiency; Pignata Guarino syndrome. Identifiers: Orphanet 169095, MedGen C1866426, MONDO:0011132, OMIM 601705.

Allele frequency attached by ClinVar (database versions not stated): gnomAD exomes below 0.00001; gnomAD 0.00001; TOPMed 0.00001; ExAC 0.00002.

Submissions (2):

Ambry Genetics
Classification: Uncertain significance for Inborn genetic diseases. Last evaluated: 2025-07-31. Review status: criteria provided, single submitter. Criteria: Ambry Variant Classification Scheme 2023. Collection method: clinical testing. Allele origin: germline.

Labcorp Genetics (formerly Invitae), Labcorp
Classification: Uncertain significance for T-cell immunodeficiency, congenital alopecia, and nail dystrophy. Last evaluated: 2022-09-07. Review status: criteria provided, single submitter. Criteria: Invitae Variant Classification Sherloc (09022015). Collection method: clinical testing. Allele origin: germline.
Comment: This sequence change replaces proline, which is neutral and non-polar, with histidine, which is basic and polar, at codon 432 of the FOXN1 protein (p.Pro432His). This variant is present in population databases (rs764228081, gnomAD 0.02%). This variant has not been reported in the literature in individuals affected with FOXN1-related conditions. Algorithms developed to predict the effect of missense changes on protein structure and function are either unavailable or do not agree on the potential impact of this missense change (SIFT: "Tolerated"; PolyPhen-2: "Probably Damaging"; Align-GVGD: "Class C0"). In summary, the available evidence is currently insufficient to determine the role of this variant in disease. Therefore, it has been classified as a Variant of Uncertain Significance.

NM_001369369.1(FOXN1):c.1295C>A (p.Pro432His)

Gene: FOXN1 (forkhead box N1; plus strand). Cytogenetic location: 17q11.2.
Variant type: single nucleotide variant.
Coding change: c.1295C>A on transcript NM_001369369.1 (MANE Select); coding-DNA position 1295, C replaced by A.
Protein change: p.Pro432His; replaces proline 432 with histidine.
Molecular consequence: missense variant.
Genome position (GRCh38, 1-based): chr17:28,534,866, C>A. VCF-style: chr17-28534866-C-A. GRCh37 (hg19) VCF-style: chr17-26861884-C-A.
Other names: c.1295C>A, p.Pro432His (NM_003593.3); short protein forms P432H.
Identifiers: ClinVar variation 2047952 (VCV002047952.2), dbSNP rs764228081, ClinGen allele CA8459496.
Genomic context (GRCh38, chr17:28,534,866, plus strand): 5'-CCCTGGCACCCCCAGCTGGCCTCTCCCCACCACTGCACTCACTCCACCCAGCTCCAGGCC[C>A]CATTCCTGGCAAGAACCCCCTGCAGGACCTACTTATGGGGCACACACCCTCCTGCTATGG-3'
Protein context (NP_001356298.1, residues 422-442): PLHSLHPAPG[Pro432His]IPGKNPLQDL